The following is an entry in ClinVar:

NM_001130823.3(DNMT1):c.997G>A (p.Glu333Lys)

Gene: DNMT1 (DNA methyltransferase 1; minus strand). Cytogenetic location: 19p13.2.
Variant type: single nucleotide variant.
Coding change: c.997G>A on transcript NM_001130823.3 (MANE Select); coding-DNA position 997, G replaced by A.
Protein change: p.Glu333Lys; replaces glutamic acid 333 with lysine.
Molecular consequence: missense variant.
Genome position (GRCh38, 1-based): chr19:10,162,678, C>T on the plus strand (G>A on the coding strand, the complement: DNMT1 is on the minus strand). VCF-style: chr19-10162678-C-T. GRCh37 (hg19) VCF-style: chr19-10273354-C-T.
Other names: c.949G>A, p.Glu317Lys (NM_001318730.2, NM_001379.4); c.634G>A, p.Glu212Lys (NM_001318731.2); c.997G>A (NM_001130823.1, NM_001130823.2); short protein forms E212K, E317K, E333K.
Identifiers: ClinVar variation 1022524 (VCV001022524.11), dbSNP rs748515801, ClinGen allele CA9188498.

ClinVar aggregate classification (germline): Uncertain significance. Review status: criteria provided, multiple submitters, no conflicts (2 of 4 stars). 4 submissions from 4 submitters: Uncertain significance (4). Last evaluated 2026-02-10.

Conditions:
Hereditary sensory neuropathy-deafness-dementia syndrome. Also called: NEUROPATHY, HEREDITARY SENSORY, WITH HEARING LOSS AND DEMENTIA; HSN IE; Hereditary sensory neuropathy type IE; Hereditary Sensory and Autonomic Neuropathy Type 1E (HSAN1E). Identifiers: Orphanet 456318, MedGen C3279885, MONDO:0013584, OMIM 614116.
DNMT1-related disorder. Also called: DNMT1-related condition. Identifiers: MedGen CN381527.

Allele frequency attached by ClinVar (database versions not stated): gnomAD exomes below 0.00001 and 0.00001; TOPMed below 0.00001; gnomAD 0.00001; ExAC 0.00002.
gnomAD v4.1: 6 of 1,611,848 alleles (0.00037%); highest among the groups gnomAD compares: South Asian, 0.0022%; no homozygotes.

Submissions (4):

PreventionGenetics, part of Exact Sciences
Classification: Uncertain significance for DNMT1-related condition. Last evaluated: 2026-02-10. Review status: criteria provided, single submitter. Criteria: ACMG Guidelines, 2015. Collection method: clinical testing. Allele origin: germline.
Comment: The DNMT1 c.997G>A variant is predicted to result in the amino acid substitution p.Glu333Lys. To our knowledge, this variant has not been reported in the literature. This variant is reported in 0.00088% of alleles in individuals of European (Non-Finnish) descent in gnomAD. At this time, the clinical significance of this variant is uncertain due to the absence of conclusive functional and genetic evidence.

Labcorp Genetics (formerly Invitae), Labcorp
Classification: Uncertain significance for Hereditary sensory neuropathy-deafness-dementia syndrome. Last evaluated: 2024-07-21. Review status: criteria provided, single submitter. Criteria: Invitae Variant Classification Sherloc (09022015). Collection method: clinical testing. Allele origin: germline.
Comment: This sequence change replaces glutamic acid, which is acidic and polar, with lysine, which is basic and polar, at codon 333 of the DNMT1 protein (p.Glu333Lys). This variant is present in population databases (rs748515801, gnomAD 0.0009%). This variant has not been reported in the literature in individuals affected with DNMT1-related conditions. ClinVar contains an entry for this variant (Variation ID: 1022524). Advanced modeling of protein sequence and biophysical properties (such as structural, functional, and spatial information, amino acid conservation, physicochemical variation, residue mobility, and thermodynamic stability) performed at Invitae indicates that this missense variant is not expected to disrupt DNMT1 protein function with a negative predictive value of 80%. In summary, the available evidence is currently insufficient to determine the role of this variant in disease. Therefore, it has been classified as a Variant of Uncertain Significance.

GeneDx
Classification: Uncertain significance. Last evaluated: 2023-01-27. Review status: criteria provided, single submitter. Criteria: GeneDx Variant Classification Process June 2021. Collection method: clinical testing. Allele origin: germline. Affected: yes.
Comment: Not observed at significant frequency in large population cohorts (gnomAD); In silico analysis supports that this missense variant does not alter protein structure/function; Has not been previously published as pathogenic or benign to our knowledge

Blueprint Genetics
Classification: Uncertain significance. Last evaluated: 2021-10-06. Review status: criteria provided, single submitter. Criteria: ACMG Guidelines, 2015. Collection method: clinical testing. Allele origin: germline.